The following is an entry in ClinVar:

NM_152703.5(SAMD9L):c.313A>G (p.Lys105Glu)

Gene: SAMD9L (sterile alpha motif domain containing 9 like; minus strand). Cytogenetic location: 7q21.2.
Variant type: single nucleotide variant.
Coding change: c.313A>G on transcript NM_152703.5 (MANE Select); coding-DNA position 313, A replaced by G.
Protein change: p.Lys105Glu; replaces lysine 105 with glutamic acid.
Molecular consequence: missense variant.
Genome position (GRCh38, 1-based): chr7:93,135,659, T>C on the plus strand (A>G on the coding strand, the complement: SAMD9L is on the minus strand). VCF-style: chr7-93135659-T-C. GRCh37 (hg19) VCF-style: chr7-92764972-T-C.
Other names: c.313A>G, p.Lys105Glu (NM_001303496.3, NM_001303497.3, NM_001303498.3 and 5 more transcripts); short protein forms K105E.
Identifiers: ClinVar variation 1337628 (VCV001337628.4), dbSNP rs2116506527, ClinGen allele CA368206102.
Genomic context (GRCh38, chr7:93,135,659, plus strand): 5'-CTCTGGGATCATAATCAATATTAGATGACATTGAATTTTCTTCTTCCTTTTTGGTGTGTT[T>C]TGGATTTTTCTGGTGTTCTGTTTTGGACGGTTTTGAATTATCTAATTGTCCCGGATCATG-3'
Protein context (NP_689916.2, residues 95-115): PSKTEHQKNP[Lys105Glu]HTKKEEENSM

ClinVar aggregate classification (germline): Uncertain significance (1 of 4 stars; one submission).

Allele frequency attached by ClinVar (database versions not stated): gnomAD exomes below 0.00001.
gnomAD v4.1: 1 of 1,614,106 alleles (0.000062%); highest among the groups gnomAD compares: Non-Finnish European, 0.000085%; no homozygotes.

Submission:

Genetic Services Laboratory, University of Chicago
Classification: Uncertain significance. Last evaluated: 2020-04-20. Review status: criteria provided, single submitter. Criteria: ACMG Guidelines, 2015. Collection method: clinical testing. Allele origin: germline. Affected: no.
Comment: DNA sequence analysis of the SAMD9L gene demonstrated a sequence change, c.313A>G, in exon 6 that results in an amino acid change, p.Lys105Glu. This sequence change does not appear to have been previously described in patients with SAMD9L-related disorders and has also not been described in the population databases (ExAC and gnomAD). The p.Lys105Glu change affects a poorly conserved amino acid residue located in a domain of the SAMD9L protein that is not known to be functional. The p.Lys105Glu substitution appears to be benign using several in-silico pathogenicity prediction tools (SIFT, PolyPhen2, Align GVGD, REVEL). Due to these contrasting evidences and the lack of functional studies, the clinical significance of the p.Lys105Glu change remains unknown at this time.